The following is an entry in ClinVar:

ClinVar aggregate classification (germline): Uncertain significance (1 of 4 stars; one submission).

Conditions:
Autosomal dominant nonsyndromic hearing loss 1. Also called: DEAFNESS, AUTOSOMAL DOMINANT 1, WITH OR WITHOUT THROMBOCYTOPENIA; KONIGSMARK SYNDROME. Identifiers: Orphanet 90635, MedGen C1852282, MONDO:0007424, OMIM 124900.
Progressive microcephaly-seizures-cortical blindness-developmental delay syndrome. Also called: Seizures, cortical blindness, and microcephaly syndrome. Identifiers: Orphanet 477814, MedGen C5567650, MONDO:0014714, OMIM 616632.

Allele frequency attached by ClinVar (database versions not stated): gnomAD exomes below 0.00001 and 0.00001.
gnomAD v4.1: 1 of 1,516,356 alleles (0.000066%); highest among the groups gnomAD compares: Admixed American, 0.0019%; no homozygotes.

Submission:

Labcorp Genetics (formerly Invitae), Labcorp
Classification: Uncertain significance for Progressive microcephaly-seizures-cortical blindness-developmental delay syndrome; Autosomal dominant nonsyndromic hearing loss 1. Last evaluated: 2024-12-07. Review status: criteria provided, single submitter. Criteria: Invitae Variant Classification Sherloc (09022015). Collection method: clinical testing. Allele origin: germline.
Comment: This sequence change replaces proline, which is neutral and non-polar, with leucine, which is neutral and non-polar, at codon 702 of the DIAPH1 protein (p.Pro702Leu). The frequency data for this variant in the population databases is considered unreliable, as metrics indicate poor data quality at this position in the gnomAD database. This variant has not been reported in the literature in individuals affected with DIAPH1-related conditions. ClinVar contains an entry for this variant (Variation ID: 1478179). Experimental studies and prediction algorithms are not available or were not evaluated, and the functional significance of this variant is currently unknown. In summary, the available evidence is currently insufficient to determine the role of this variant in disease. Therefore, it has been classified as a Variant of Uncertain Significance.

NM_005219.5(DIAPH1):c.2105C>T (p.Pro702Leu)

Gene: DIAPH1 (diaphanous related formin 1; minus strand). Cytogenetic location: 5q31.3.
Variant type: single nucleotide variant.
Coding change: c.2105C>T on transcript NM_005219.5 (MANE Select); coding-DNA position 2105, C replaced by T.
Protein change: p.Pro702Leu; replaces proline 702 with leucine.
Molecular consequence: missense variant.
Genome position (GRCh38, 1-based): chr5:141,573,745, G>A on the plus strand (C>T on the coding strand, the complement: DIAPH1 is on the minus strand). VCF-style: chr5-141573745-G-A. GRCh37 (hg19) VCF-style: chr5-140953312-G-A.
Other names: c.2078C>T, p.Pro693Leu (NM_001079812.3); c.2105C>T, p.Pro702Leu (NM_001314007.2); short protein forms P702L, P693L.
Identifiers: ClinVar variation 1478179 (VCV001478179.6), dbSNP rs1229036082, ClinGen allele CA361518188.